The following is an entry in ClinVar:

NM_032578.4(MYPN):c.2041C>G (p.Pro681Ala)

Gene: MYPN (myopalladin; plus strand). Cytogenetic location: 10q21.3.
Variant type: single nucleotide variant.
Coding change: c.2041C>G on transcript NM_032578.4 (MANE Select); coding-DNA position 2041, C replaced by G.
Protein change: p.Pro681Ala; replaces proline 681 with alanine.
Molecular consequence: missense variant. On other transcripts: non-coding transcript variant (2).
Genome position (GRCh38, 1-based): chr10:68,174,133, C>G. VCF-style: chr10-68174133-C-G. GRCh37 (hg19) VCF-style: chr10-69933890-C-G.
Other names: c.2041C>G, p.Pro681Ala (NM_001256267.2); c.1159C>G, p.Pro387Ala (NM_001256268.2); short protein forms P387A, P681A.
Identifiers: ClinVar variation 3877245 (VCV003877245.1).

ClinVar aggregate classification (germline): Uncertain significance (1 of 4 stars; one submission).

Conditions:
Cardiovascular phenotype. Identifiers: MedGen CN230736.

gnomAD v4.1: 6 of 1,614,122 alleles (0.00037%); highest among the groups gnomAD compares: Non-Finnish European, 0.00051%; no homozygotes.

Submission:

Ambry Genetics
Classification: Uncertain significance for Cardiovascular phenotype. Last evaluated: 2024-12-17. Review status: criteria provided, single submitter. Criteria: Ambry Variant Classification Scheme 2023. Collection method: clinical testing. Allele origin: germline.
Comment: The p.P681A variant (also known as c.2041C>G), located in coding exon 10 of the MYPN gene, results from a C to G substitution at nucleotide position 2041. The proline at codon 681 is replaced by alanine, an amino acid with highly similar properties. This amino acid position is conserved. In addition, this alteration is predicted to be tolerated by in silico analysis. Based on the available evidence, the clinical significance of this variant remains unclear.